The following is an entry in ClinVar:

ClinVar aggregate classification (germline): Conflicting classifications of pathogenicity. Review status: criteria provided, conflicting classifications (1 of 4 stars). 3 submissions from 3 submitters: Uncertain significance (1); Likely benign (2). Last evaluated 2025-02-27.

Conditions:
Inborn genetic diseases. Identifiers: MedGen C0950123, MeSH D030342.
Fanconi anemia (FA). Also called: Fanconi's anemia. Identifiers: Orphanet 84, MedGen C0015625, MeSH D005199, MONDO:0019391.

Allele frequency attached by ClinVar (database versions not stated): gnomAD exomes below 0.00001 and 0.00002; ExAC 0.00003; gnomAD 0.00003; TOPMed 0.00003; 1000 Genomes Project 30x 0.00016; 1000 Genomes Project 0.00020.
gnomAD v4.1: 9 of 1,612,902 alleles (0.00056%); highest among the groups gnomAD compares: African/African-American, 0.008%; no homozygotes.

Submissions (3):

Ambry Genetics
Classification: Likely benign for Inborn genetic diseases. Last evaluated: 2025-02-27. Review status: criteria provided, single submitter. Criteria: Ambry Variant Classification Scheme 2023. Collection method: clinical testing. Allele origin: germline.

Quest Diagnostics Nichols Institute San Juan Capistrano
Classification: Uncertain significance. Last evaluated: 2024-02-02. Review status: criteria provided, single submitter. Criteria: Quest Diagnostics criteria. Collection method: clinical testing. Allele origin: unknown.
Comment: The FANCM c.5745A>G (p.Thr1915=) synonymous variant has not been reported in individuals with FANCM-related conditions in the published literature. The frequency of this variant in the general population, 0.0002 (5/24958 chromosomes (Genome Aggregation Database)), is uninformative in the assessment of its pathogenicity. Analysis of this variant using software algorithms for the prediction of the effect of nucleotide changes on FANCM mRNA splicing yielded inconclusive findings. Based on the available information, we are unable to determine the clinical significance of this variant.

Labcorp Genetics (formerly Invitae), Labcorp
Classification: Likely benign for Fanconi anemia. Last evaluated: 2021-02-23. Review status: criteria provided, single submitter. Criteria: Invitae Variant Classification Sherloc (09022015). Collection method: clinical testing. Allele origin: germline.

NM_020937.4(FANCM):c.5745A>G (p.Thr1915=)

Gene: FANCM (FA complementation group M; plus strand). Cytogenetic location: 14q21.2.
Variant type: single nucleotide variant.
Coding change: c.5745A>G on transcript NM_020937.4 (MANE Select); coding-DNA position 5745, A replaced by G.
Protein change: p.Thr1915=; no amino-acid change (threonine 1915 retained).
Molecular consequence: synonymous variant.
Genome position (GRCh38, 1-based): chr14:45,198,672, A>G. VCF-style: chr14-45198672-A-G. GRCh37 (hg19) VCF-style: chr14-45667875-A-G.
Other names: c.5745A>G (NM_020937.3, NM_020937.2); c.5667A>G, p.Thr1889= (NM_001308133.2).
Identifiers: ClinVar variation 1141886 (VCV001141886.11), dbSNP rs535316621, ClinGen allele CA7170061.
Genomic context (GRCh38, chr14:45,198,672, plus strand): 5'-AAGTTTGCCTTTCCCTAAATATGAATATTTAGGAGACACATCAAGGATGTTTAGGAGAAC[A>G]AAGAGCTATGACAGCCTGCTGACTACCTTAATTGGCGCTGGAATCCGAATTCTTTTCAGT-3'
Protein context (NP_065988.1, residues 1905-1925): TGDTSRMFRR[Thr1915=]KSYDSLLTTL